The following is an entry in ClinVar:

ClinVar aggregate classification (germline): Uncertain significance (1 of 4 stars; one submission).

Conditions:
Hereditary cancer-predisposing syndrome. Also called: Neoplastic Syndromes, Hereditary; Tumor predisposition; Hereditary neoplastic syndrome; Hereditary Cancer Syndrome. Identifiers: Orphanet 140162, MedGen C0027672, MeSH D009386, MONDO:0015356.

Allele frequency attached by ClinVar (database versions not stated): gnomAD 0.00001.
gnomAD v4.1: 1 of 1,613,936 alleles (0.000062%); highest among the groups gnomAD compares: African/African-American, 0.0013%; no homozygotes.

Submission:

Ambry Genetics
Classification: Uncertain significance for Hereditary cancer-predisposing syndrome. Last evaluated: 2023-10-05. Review status: criteria provided, single submitter. Criteria: Ambry Variant Classification Scheme 2023. Collection method: clinical testing. Allele origin: germline.
Comment: The p.E680A variant (also known as c.2039A>C), located in coding exon 14 of the PTCH1 gene, results from an A to C substitution at nucleotide position 2039. The glutamic acid at codon 680 is replaced by alanine, an amino acid with dissimilar properties. This amino acid position is conserved. In addition, this alteration is predicted to be deleterious by in silico analysis. Since supporting evidence is limited at this time, the clinical significance of this alteration remains unclear.

NM_000264.5(PTCH1):c.2039A>C (p.Glu680Ala)

Genes: PTCH1 (patched 1; minus strand), LOC100507346 (uncharacterized LOC100507346; plus strand). Cytogenetic location: 9q22.32.
Variant type: single nucleotide variant.
Coding change: c.2039A>C on transcript NM_000264.5 (MANE Select); coding-DNA position 2039, A replaced by C.
Protein change: p.Glu680Ala; replaces glutamic acid 680 with alanine.
Molecular consequence: missense variant. On other transcripts: non-coding transcript variant (2).
Genome position (GRCh38, 1-based): chr9:95,468,962, T>G on the plus strand (A>C on the coding strand, the complement: PTCH1 is on the minus strand). VCF-style: chr9-95468962-T-G. GRCh37 (hg19) VCF-style: chr9-98231244-T-G.
Other names: c.1841A>C, p.Glu614Ala (NM_001083602.3); c.2036A>C, p.Glu679Ala (NM_001083603.3); c.1586A>C, p.Glu529Ala (NM_001083604.3, NM_001083605.3, NM_001083606.3 and 1 more transcripts); c.1883A>C, p.Glu628Ala (NM_001354918.2); short protein forms E529A, E614A, E628A, E679A, E680A.
Identifiers: ClinVar variation 3230968 (VCV003230968.1), dbSNP rs1840298815, ClinGen allele CA374115783.